The following is an entry in ClinVar:

NM_005633.4(SOS1):c.2614C>G (p.Leu872Val)

Gene: SOS1 (SOS Ras/Rac guanine nucleotide exchange factor 1; minus strand). Cytogenetic location: 2p22.1.
Variant type: single nucleotide variant.
Coding change: c.2614C>G on transcript NM_005633.4 (MANE Select); coding-DNA position 2614, C replaced by G.
Protein change: p.Leu872Val; replaces leucine 872 with valine.
Molecular consequence: missense variant.
Genome position (GRCh38, 1-based): chr2:39,007,090, G>C on the plus strand (C>G on the coding strand, the complement: SOS1 is on the minus strand). VCF-style: chr2-39007090-G-C. GRCh37 (hg19) VCF-style: chr2-39234231-G-C.
Other names: c.2593C>G, p.Leu865Val (NM_001382394.1); c.2614C>G, p.Leu872Val (NM_001382395.1); short protein forms L865V, L872V.
Identifiers: ClinVar variation 5030015 (VCV005030015.1).
Genomic context (GRCh38, chr2:39,007,090, plus strand): 5'-CCTCAAATGTGTGGTCTAGTCTGTAAACAGGTGATGAATTCATAGCACTGACAACCTCAA[G>C]GACACCATTAAAGTTGTTCAACTCTTGAAAGACTTGTAGAATCTCAATAATTCGACTCAC-3'
Protein context (NP_005624.2, residues 862-882): FQELNNFNGV[Leu872Val]EVVSAMNSSP

ClinVar aggregate classification (germline): Uncertain significance (1 of 4 stars; one submission).

Conditions:
Cardiovascular phenotype. Identifiers: MedGen CN230736.

Submission:

Ambry Genetics
Classification: Uncertain significance for Cardiovascular phenotype. Last evaluated: 2026-08-08. Review status: criteria provided, single submitter. Criteria: Ambry Variant Classification Scheme 2023. Collection method: clinical testing. Allele origin: germline.
Comment: The p.L872V variant (also known as c.2614C>G), located in coding exon 16 of the SOS1 gene, results from a C to G substitution at nucleotide position 2614. The leucine at codon 872 is replaced by valine, an amino acid with highly similar properties. This amino acid position is conserved. In addition, the in silico prediction for this alteration is inconclusive. Based on the available evidence, the clinical significance of this variant remains unclear.